The following is an entry in ClinVar:

NM_002894.3(RBBP8):c.710-247G>A

Gene: RBBP8 (RB binding protein 8, endonuclease; plus strand). Cytogenetic location: 18q11.2.
Variant type: single nucleotide variant.
Coding change: c.710-247G>A on transcript NM_002894.3 (MANE Select); 247 bases into the intron before coding-DNA position 710, G replaced by A.
Molecular consequence: intron variant.
Genome position (GRCh38, 1-based): chr18:22,988,974, G>A. VCF-style: chr18-22988974-G-A. GRCh37 (hg19) VCF-style: chr18-20568937-G-A.
Other names: c.710-247G>A (NM_203292.2, NM_203291.2).
Identifiers: ClinVar variation 670487 (VCV000670487.1), dbSNP rs12958492, ClinGen allele CA14593423.

ClinVar aggregate classification (germline): Benign (1 of 4 stars; one submission).

Allele frequency attached by ClinVar (database versions not stated): 1000 Genomes Project 0.42951; gnomAD 0.48701; TOPMed 0.46758; 1000 Genomes Project 30x 0.41927.
gnomAD v4.1: 74,089 of 152,014 alleles (49%); highest among the groups gnomAD compares: Middle Eastern, 66%; 21,335 homozygotes.

Submission:

GeneDx
Classification: Benign. Last evaluated: 2018-06-16. Review status: criteria provided, single submitter. Criteria: GeneDx Variant Classification (06012015). Collection method: clinical testing. Allele origin: germline. Affected: yes.
Comment: This variant is considered likely benign or benign based on one or more of the following criteria: it is a conservative change, it occurs at a poorly conserved position in the protein, it is predicted to be benign by multiple in silico algorithms, and/or has population frequency not consistent with disease.